The following is an entry in ClinVar:

NM_000535.7(PMS2):c.108C>A (p.Ser36Arg)

Gene: PMS2 (PMS1 homolog 2, mismatch repair system component; minus strand). Cytogenetic location: 7p22.1.
Variant type: single nucleotide variant.
Coding change: c.108C>A on transcript NM_000535.7 (MANE Select); coding-DNA position 108, C replaced by A.
Protein change: p.Ser36Arg; replaces serine 36 with arginine.
Molecular consequence: missense variant. On other transcripts: 5 prime UTR variant (8), non-coding transcript variant (1), intron variant (3).
Genome position (GRCh38, 1-based): chr7:6,005,947, G>T on the plus strand (C>A on the coding strand, the complement: PMS2 is on the minus strand). VCF-style: chr7-6005947-G-T. GRCh37 (hg19) VCF-style: chr7-6045578-G-T.
Other names: c.-298C>A (NM_001322003.2, NM_001322005.2, NM_001322009.2 and 1 more transcripts); c.108C>A, p.Ser36Arg (NM_001322006.2, NM_001322014.2); c.-108C>A (NM_001322007.2); c.-777C>A (NM_001322011.2, NM_001322012.2); c.-377C>A (NM_001322015.2); c.-52-1889C>A (NM_001322008.2); c.-242-1889C>A (NM_001322010.2, NM_001322004.2); short protein forms S36R.
Identifiers: ClinVar variation 644040 (VCV000644040.17), dbSNP rs1368578377, ClinGen allele CA366745050.
Genomic context (GRCh38, chr7:6,005,947, plus strand): 5'-CTTACCAATATTAGTGGCACCAGCATCCAGACTGTTTTCTACTAACTCCTTTACCGCAGT[G>T]CTTAGACTCAGTACCACCTGCCCAGAGCAAATCTGATGGACTGACTTCCGATCAATAGGT-3'
Protein context (NP_000526.2, residues 26-46): ICSGQVVLSL[Ser36Arg]TAVKELVENS

ClinVar aggregate classification (germline): Uncertain significance. Review status: criteria provided, multiple submitters, no conflicts (2 of 4 stars). 3 submissions from 3 submitters: Uncertain significance (3). Last evaluated 2025-09-09.

Conditions:
Hereditary nonpolyposis colorectal neoplasms. Identifiers: MedGen C0009405, MeSH D003123.
Hereditary cancer-predisposing syndrome. Also called: Neoplastic Syndromes, Hereditary; Tumor predisposition; Hereditary neoplastic syndrome; Hereditary Cancer Syndrome. Identifiers: Orphanet 140162, MedGen C0027672, MeSH D009386, MONDO:0015356.

Allele frequency attached by ClinVar (database versions not stated): gnomAD 0.00001; gnomAD exomes 0.00001; TOPMed 0.00001.

Submissions (3):

Labcorp Genetics (formerly Invitae), Labcorp
Classification: Uncertain significance for Hereditary nonpolyposis colorectal neoplasms. Last evaluated: 2025-09-09. Review status: criteria provided, single submitter. Criteria: Invitae Variant Classification Sherloc (09022015). Collection method: clinical testing. Allele origin: germline.
Comment: This sequence change replaces serine, which is neutral and polar, with arginine, which is basic and polar, at codon 36 of the PMS2 protein (p.Ser36Arg). This variant is present in population databases (no rsID available, gnomAD 0.01%). This variant has not been reported in the literature in individuals affected with PMS2-related conditions. ClinVar contains an entry for this variant (Variation ID: 644040). Invitae Evidence Modeling incorporating data from in vitro experimental studies (internal data) indicates that this missense variant is not expected to disrupt PMS2 function with a negative predictive value of 95%. Experimental studies have shown that this missense change does not substantially affect PMS2 function (PMID: 28494185). In summary, the available evidence is currently insufficient to determine the role of this variant in disease. Therefore, it has been classified as a Variant of Uncertain Significance.

Color Diagnostics, LLC DBA Color Health
Classification: Uncertain significance for Hereditary cancer-predisposing syndrome. Last evaluated: 2024-03-26. Review status: criteria provided, single submitter. Criteria: ACMG Guidelines, 2015. Collection method: clinical testing. Allele origin: germline.
Comment: This missense variant replaces serine with arginine at codon 36 of the PMS2 protein. Computational prediction suggests that this variant may have deleterious impact on protein structure and function (internally defined REVEL score threshold >= 0.7, PMID: 27666373). A functional study has shown that this variant does not impact protein expression or cell viability in the presence of DNA-damaging agents (PMID: 28494185). To our knowledge, this variant has not been reported in individuals affected with PMS2-related disorders in the literature. This variant has been identified in 2/245788 chromosomes in the general population by the Genome Aggregation Database (gnomAD). The available evidence is insufficient to determine the role of this variant in disease conclusively. Therefore, this variant is classified as a Variant of Uncertain Significance.

Ambry Genetics
Classification: Uncertain significance for Hereditary cancer-predisposing syndrome. Last evaluated: 2022-10-21. Review status: criteria provided, single submitter. Criteria: Ambry Variant Classification Scheme 2023. Collection method: clinical testing. Allele origin: germline.
Comment: The p.S36R variant (also known as c.108C>A), located in coding exon 2 of the PMS2 gene, results from a C to A substitution at nucleotide position 108. The serine at codon 36 is replaced by arginine, an amino acid with dissimilar properties. A functional study demonstrated that this alteration was expressed at a level similar to that of the wild type, with proficient mRNA and protein expression and viability in response to DNA-damaging agents (Arora S et al. Cancer Biol Ther, 2017 Jul;18:519-533). This amino acid position is not well conserved in available vertebrate species. In addition, the in silico prediction for this alteration is inconclusive. Since supporting evidence is limited at this time, the clinical significance of this alteration remains unclear.

Literature cited by the submitters: PubMed 28494185 (cited by 3 submitters).